The following is an entry in ClinVar:

ClinVar aggregate classification (germline): Uncertain significance (1 of 4 stars; one submission).

Submission:

Ambry Genetics
Classification: Uncertain significance. Last evaluated: 2023-07-29. Review status: criteria provided, single submitter. Criteria: Ambry Variant Classification Scheme 2023. Collection method: clinical testing. Allele origin: germline.
Comment: The p.S2011C variant (also known as c.6031A>T), located in coding exon 19 of the POLQ gene, results from an A to T substitution at nucleotide position 6031. The serine at codon 2011 is replaced by cysteine, an amino acid with dissimilar properties. This amino acid position is conserved. In addition, this alteration is predicted to be tolerated by in silico analysis. Since supporting evidence is limited at this time, the clinical significance of this alteration remains unclear.

NM_199420.4(POLQ):c.6031A>T (p.Ser2011Cys)

Gene: POLQ (DNA polymerase theta; minus strand). Cytogenetic location: 3q13.33.
Variant type: single nucleotide variant.
Coding change: c.6031A>T on transcript NM_199420.4 (MANE Select); coding-DNA position 6031, A replaced by T.
Protein change: p.Ser2011Cys; replaces serine 2011 with cysteine.
Molecular consequence: missense variant.
Genome position (GRCh38, 1-based): chr3:121,481,752, T>A on the plus strand (A>T on the coding strand, the complement: POLQ is on the minus strand). VCF-style: chr3-121481752-T-A. GRCh37 (hg19) VCF-style: chr3-121200599-T-A.
Other names: short protein forms S2011C.
Identifiers: ClinVar variation 2625852 (VCV002625852.2), dbSNP rs2546780470, ClinGen allele CA354088128.